The following is an entry in ClinVar:

NM_006767.4(LZTR1):c.1209C>T (p.Phe403=)

Gene: LZTR1 (leucine zipper like post translational regulator 1; plus strand). Cytogenetic location: 22q11.21.
Variant type: single nucleotide variant.
Coding change: c.1209C>T on transcript NM_006767.4 (MANE Select); coding-DNA position 1209, C replaced by T.
Protein change: p.Phe403=; no amino-acid change (phenylalanine 403 retained).
Molecular consequence: synonymous variant.
Genome position (GRCh38, 1-based): chr22:20,992,853, C>T. VCF-style: chr22-20992853-C-T. GRCh37 (hg19) VCF-style: chr22-21347142-C-T.
Other names: p.Phe403=.
Identifiers: ClinVar variation 496332 (VCV000496332.93), dbSNP rs145833752, ClinGen allele CA10118762.
Genomic context (GRCh38, chr22:20,992,853, plus strand): 5'-GCTGCCCAGTGGGAGGCTCTTCCACGCGGCTGCTGTCATCTCGGACGCCATGTACATCTT[C>T]GGGGGCACGGTGGACAACAACATCCGCAGCGGGGAGATGTACAGGTTCCAGGTGTGGGGC-3'
Protein context (NP_006758.2, residues 393-413): AAVISDAMYI[Phe403=]GGTVDNNIRS

ClinVar aggregate classification (germline): Benign/Likely benign. Review status: criteria provided, multiple submitters, no conflicts (2 of 4 stars). 14 submissions from 14 submitters: Benign (8); Likely benign (3). 3 of the submissions do not count toward it. Last evaluated 2026-09-01.

Conditions:
LZTR1-related schwannomatosis. Also called: Schwannomatosis-2, susceptibility to; Schwannomatosis 2. Identifiers: Orphanet 93921, MedGen C3810283, MONDO:0014299, OMIM 615670.
Noonan syndrome 2 (NS2). Identifiers: Orphanet 648, MedGen C1854469, MONDO:0011531, OMIM 605275.
Noonan syndrome 10 (NS10). Identifiers: Orphanet 648, MedGen C4225280, MONDO:0014693, OMIM 616564.
Noonan syndrome and Noonan-related syndrome. Identifiers: Orphanet 98733, MedGen C5681679, MONDO:0020297.
Hereditary cancer-predisposing syndrome. Also called: Hereditary Cancer Syndrome; Neoplastic Syndromes, Hereditary; Hereditary neoplastic syndrome; Tumor predisposition. Identifiers: Orphanet 140162, MedGen C0027672, MeSH D009386, MONDO:0015356.
Cardiovascular phenotype. Identifiers: MedGen CN230736.

Allele frequency attached by ClinVar (database versions not stated): ESP Exome Variant Server 0.00654; gnomAD exomes 0.00659 and 0.00899; ExAC 0.01010; 1000 Genomes Project 0.00479; 1000 Genomes Project 30x 0.00484; gnomAD 0.00550 and 0.00552; TOPMed 0.00567.
gnomAD v4.1: 13,982 of 1,610,066 alleles (0.87%); highest among the groups gnomAD compares: Non-Finnish European, 0.98%; 102 homozygotes.

Submissions (14):

CeGaT Center for Human Genetics Tuebingen
Classification: Likely benign. Last evaluated: 2026-09-01. Review status: criteria provided, single submitter. Criteria: CeGaT Center For Human Genetics Tuebingen Variant Classification Criteria Version 2. Collection method: clinical testing. Allele origin: germline. Affected: yes. Observed: 108 variant alleles.
Comment: LZTR1: BP4, BP7, BS2

Labcorp Genetics (formerly Invitae), Labcorp
Classification: Benign. Last evaluated: 2026-02-04. Review status: criteria provided, single submitter. Criteria: Invitae Variant Classification Sherloc (09022015). Collection method: clinical testing. Allele origin: germline.

Blueprint Genetics
Classification: Likely benign. Last evaluated: 2024-11-28. Review status: criteria provided, single submitter. Criteria: ACMG Guidelines, 2015. Collection method: clinical testing. Allele origin: germline.

ARUP Laboratories, Molecular Genetics and Genomics, ARUP Laboratories
Classification: Benign. Last evaluated: 2024-10-04. Review status: criteria provided, single submitter. Criteria: ARUP Molecular Germline Variant Investigation Process 2024. Collection method: clinical testing. Allele origin: germline.

Department of Pathology and Laboratory Medicine, Sinai Health System
Classification: Benign for Noonan syndrome 2; LZTR1-related schwannomatosis; Noonan syndrome 10. Last evaluated: 2023-04-05. Review status: criteria provided, single submitter. Criteria: ACMG Guidelines, 2015. Collection method: clinical testing. Allele origin: germline. Affected: yes.

Mayo Clinic Laboratories, Mayo Clinic
Classification: Benign. Last evaluated: 2023-02-23. Review status: criteria provided, single submitter. Criteria: ACMG Guidelines, 2015. Collection method: clinical testing. Allele origin: germline. Observed: 11 variant alleles.
Comment: BA1, BP4, BP7

Genome Diagnostics Laboratory, The Hospital for Sick Children
Classification: Benign for Noonan syndrome and Noonan-related syndrome. Last evaluated: 2021-07-13. Review status: criteria provided, single submitter. Criteria: ACMG Guidelines, 2015. Collection method: clinical testing. Allele origin: germline.

Ambry Genetics
Classification: Benign for Cardiovascular phenotype; Hereditary cancer-predisposing syndrome. Last evaluated: 2019-09-29. Review status: criteria provided, single submitter. Criteria: Ambry Variant Classification Scheme 2023. Collection method: clinical testing. Allele origin: germline.

Women's Health and Genetics/Laboratory Corporation of America, LabCorp
Classification: Benign. Last evaluated: 2017-07-11. Review status: criteria provided, single submitter. Criteria: LabCorp Variant Classification Summary - May 2015. Collection method: clinical testing. Allele origin: germline.
Comment: Variant summary: The LZTR1 c.1209C>T (p.Phe403Phe) variant involves the alteration of a non-conserved nucleotide causes a synonymous change and 5/5 splice prediction tools predict no significant impact on normal splicing. ESE finder predicts that this variant causes the loss of an ESE binding site. However, these predictions have yet to be confirmed by functional studies. This variant was found in 761/75368 control chromosomes (7 homozygotes) at a frequency of 0.0100971, which is approximately 2019 times the estimated maximal expected allele frequency of a pathogenic LZTR1 variant (0.000005), suggesting this variant is likely a benign polymorphism. The variant of interest has not, to our knowledge, been reported in affected individuals via publications and/or reputable databases/clinical diagnostic laboratories; nor evaluated for functional impact by in vivo/vitro studies. Taken together, this variant is classified as benign.

GeneDx
Classification: Benign. Last evaluated: 2017-06-11. Review status: criteria provided, single submitter. Criteria: GeneDx Variant Classification (06012015). Collection method: clinical testing. Allele origin: germline. Affected: yes.
Comment: This variant is considered likely benign or benign based on one or more of the following criteria: it is a conservative change, it occurs at a poorly conserved position in the protein, it is predicted to be benign by multiple in silico algorithms, and/or has population frequency not consistent with disease.

Breakthrough Genomics
Classification: Likely benign. Review status: criteria provided, single submitter. Criteria: ACMG Guidelines, 2015. Collection method: not provided. Allele origin: germline. Inheritance: Autosomal recessive inheritance. Affected: yes.

Clinical Genetics DNA and cytogenetics Diagnostics Lab, Erasmus MC, Erasmus Medical Center
Classification: Likely benign. Review status: no assertion criteria provided. Collection method: clinical testing. Allele origin: germline. Affected: yes. Study: VKGL Data-share Consensus. Not counted in ClinVar's aggregate classification.

Genome Diagnostics Laboratory, Amsterdam University Medical Center
Classification: Benign. Review status: no assertion criteria provided. Collection method: clinical testing. Allele origin: germline. Affected: yes. Study: VKGL Data-share Consensus. Not counted in ClinVar's aggregate classification.

Joint Genome Diagnostic Labs from Nijmegen and Maastricht, Radboudumc and MUMC+
Classification: Likely benign. Review status: no assertion criteria provided. Collection method: clinical testing. Allele origin: germline. Affected: yes. Study: VKGL Data-share Consensus. Not counted in ClinVar's aggregate classification.